The following is an entry in ClinVar:

ClinVar aggregate classification (germline): Uncertain significance. Review status: criteria provided, multiple submitters, no conflicts (2 of 4 stars). 2 submissions from 2 submitters: Uncertain significance (2). Last evaluated 2023-02-06.

Conditions:
Inborn genetic diseases. Identifiers: MedGen C0950123, MeSH D030342.
Spastic paraplegia. Identifiers: MedGen C0037772, HP:0001258.

Allele frequency attached by ClinVar (database versions not stated): gnomAD exomes 0.00002.
gnomAD v4.1: 30 of 1,613,738 alleles (0.0019%); highest among the groups gnomAD compares: South Asian, 0.0055%; no homozygotes.

Submissions (2):

Ambry Genetics
Classification: Uncertain significance for Inborn genetic diseases. Last evaluated: 2023-02-06. Review status: criteria provided, single submitter. Criteria: Ambry Variant Classification Scheme 2023. Collection method: clinical testing. Allele origin: germline.

Labcorp Genetics (formerly Invitae), Labcorp
Classification: Uncertain significance for Spastic paraplegia. Last evaluated: 2022-07-11. Review status: criteria provided, single submitter. Criteria: Invitae Variant Classification Sherloc (09022015). Collection method: clinical testing. Allele origin: germline.
Comment: In summary, the available evidence is currently insufficient to determine the role of this variant in disease. Therefore, it has been classified as a Variant of Uncertain Significance. Advanced modeling of protein sequence and biophysical properties (such as structural, functional, and spatial information, amino acid conservation, physicochemical variation, residue mobility, and thermodynamic stability) performed at Invitae indicates that this missense variant is not expected to disrupt CYP2U1 protein function. ClinVar contains an entry for this variant (Variation ID: 1493712). This variant has not been reported in the literature in individuals affected with CYP2U1-related conditions. This variant is present in population databases (no rsID available, gnomAD 0.007%). This sequence change replaces glycine, which is neutral and non-polar, with arginine, which is basic and polar, at codon 214 of the CYP2U1 protein (p.Gly214Arg).

NM_183075.3(CYP2U1):c.640G>A (p.Gly214Arg)

Gene: CYP2U1 (cytochrome P450 family 2 subfamily U member 1; plus strand). Cytogenetic location: 4q25.
Variant type: single nucleotide variant.
Coding change: c.640G>A on transcript NM_183075.3 (MANE Select); coding-DNA position 640, G replaced by A.
Protein change: p.Gly214Arg; replaces glycine 214 with arginine.
Molecular consequence: missense variant.
Genome position (GRCh38, 1-based): chr4:107,945,119, G>A. VCF-style: chr4-107945119-G-A. GRCh37 (hg19) VCF-style: chr4-108866275-G-A.
Other names: c.640G>A (NM_183075.2); short protein forms G214R.
Identifiers: ClinVar variation 1493712 (VCV001493712.8), dbSNP rs539068584, ClinGen allele CA357836627.